The following is an entry in ClinVar:

NM_001035.3(RYR2):c.723G>A (p.Met241Ile)

Gene: RYR2 (ryanodine receptor 2; plus strand). Cytogenetic location: 1q43.
Variant type: single nucleotide variant.
Coding change: c.723G>A on transcript NM_001035.3 (MANE Select); coding-DNA position 723, G replaced by A.
Protein change: p.Met241Ile; replaces methionine 241 with isoleucine.
Molecular consequence: missense variant.
Genome position (GRCh38, 1-based): chr1:237,388,133, G>A. VCF-style: chr1-237388133-G-A. GRCh37 (hg19) VCF-style: chr1-237551433-G-A.
Other names: c.723G>A, p.Met241Ile (LRG_402t1); short protein forms M241I.
Identifiers: ClinVar variation 628345 (VCV000628345.6), dbSNP rs1558733902, ClinGen allele CA345378232.

ClinVar aggregate classification (germline): Uncertain significance (1 of 4 stars; one submission).

Conditions:
Cardiomyopathy (CMYO). Also called: Cardiomyopathies. Identifiers: Orphanet 167848, MedGen C0878544, MONDO:0004994, HP:0001638. Inheritance: Various modes of inheritance.

Allele frequency attached by ClinVar (database versions not stated): gnomAD exomes below 0.00001.
gnomAD v4.1: 1 of 1,613,958 alleles (0.000062%); highest among the groups gnomAD compares: Non-Finnish European, 0.000085%; no homozygotes.

Submission:

Color Diagnostics, LLC DBA Color Health
Classification: Uncertain significance for Cardiomyopathy. Last evaluated: 2023-12-05. Review status: criteria provided, single submitter. Criteria: ACMG Guidelines, 2015. Collection method: clinical testing. Allele origin: germline.
Comment: This missense variant replaces methionine with isoleucine at codon 241 of the RYR2 protein. Computational prediction tools and conservation analyses suggest that this variant may have deleterious impact on the protein function. Computational splicing tools suggest that this variant may not impact RNA splicing. To our knowledge, functional assays have not been performed for this variant nor has this variant been reported in individuals affected with cardiovascular disorders in the literature. This variant has not been identified in the general population by the Genome Aggregation Database (gnomAD). Available evidence is insufficient to determine the role of this variant in disease conclusively. Therefore, this variant is classified as a Variant of Uncertain Significance.